The following is an entry in ClinVar:

ClinVar aggregate classification (germline): Benign. Review status: criteria provided, multiple submitters, no conflicts (2 of 4 stars). 9 submissions from 9 submitters: Benign (6). 3 of the submissions do not count toward it. Last evaluated 2026-02-04.

Conditions:
Autosomal recessive distal spinal muscular atrophy 2. Also called: NEURONOPATHY, DISTAL HEREDITARY MOTOR, JERASH TYPE; NEUROPATHY, DISTAL HEREDITARY MOTOR, JERASH TYPE; SPINAL MUSCULAR ATROPHY, JERASH TYPE; NEUROPATHY, DISTAL HEREDITARY MOTOR, AUTOSOMAL RECESSIVE 2; Hereditary motor neuropathy, Jerash type; Motor neuropathy, distal, Jerash type. Identifiers: Orphanet 139552, MedGen C1854023, MONDO:0011585, OMIM 605726.
Amyotrophic lateral sclerosis type 16. Also called: AMYOTROPHIC LATERAL SCLEROSIS 16, JUVENILE. Identifiers: Orphanet 300605, MedGen C3280587, MONDO:0013715, OMIM 614373.

Allele frequency attached by ClinVar (database versions not stated): TOPMed 0.18845; gnomAD exomes 0.20134 and 0.17484; 1000 Genomes Project 30x 0.21362; ESP Exome Variant Server 0.12208; gnomAD 0.17661 and 0.17823; ExAC 0.18403; 1000 Genomes Project 0.21725.
gnomAD v4.1: 267,412 of 1,526,870 alleles (18%); highest among the groups gnomAD compares: East Asian, 31%; 24,420 homozygotes.

Submissions (9):

Labcorp Genetics (formerly Invitae), Labcorp
Classification: Benign for Autosomal recessive distal spinal muscular atrophy 2; Amyotrophic lateral sclerosis type 16. Last evaluated: 2026-02-04. Review status: criteria provided, single submitter. Criteria: Invitae Variant Classification Sherloc (09022015). Collection method: clinical testing. Allele origin: germline.

Mendelics
Classification: Benign for Autosomal recessive distal spinal muscular atrophy 2. Last evaluated: 2019-05-28. Review status: criteria provided, single submitter. Criteria: Mendelics Assertion Criteria 2017. Collection method: clinical testing. Allele origin: unknown.

GeneDx
Classification: Benign. Last evaluated: 2018-07-03. Review status: criteria provided, single submitter. Criteria: GeneDx Variant Classification Process June 2021. Collection method: clinical testing. Allele origin: germline. Affected: yes.
Comment: This variant is associated with the following publications: (PMID: 31159747, 30917570, 21549171, 22818711, 9857962, 22561649)

Athena Diagnostics
Classification: Benign. Last evaluated: 2017-11-17. Review status: criteria provided, single submitter. Criteria: Athena Diagnostics Criteria. Collection method: clinical testing. Allele origin: germline.

Mayo Clinic Laboratories, Mayo Clinic
Classification: Benign. Last evaluated: 2017-07-24. Review status: criteria provided, single submitter. Criteria: ACMG Guidelines, 2015. Collection method: clinical testing. Allele origin: germline. Observed: 743 variant alleles.

Breakthrough Genomics
Classification: Benign. Review status: criteria provided, single submitter. Criteria: ACMG Guidelines, 2015. Collection method: not provided. Allele origin: germline. Inheritance: Autosomal recessive inheritance. Affected: yes.

Clinical Genetics DNA and cytogenetics Diagnostics Lab, Erasmus MC, Erasmus Medical Center
Classification: Benign. Review status: no assertion criteria provided. Collection method: clinical testing. Allele origin: germline. Affected: yes. Study: VKGL Data-share Consensus. Not counted in ClinVar's aggregate classification.

Clinical Genetics, Academic Medical Center
Classification: Benign. Review status: no assertion criteria provided. Collection method: clinical testing. Allele origin: germline. Affected: yes. Study: VKGL Data-share Consensus. Not counted in ClinVar's aggregate classification.

Genome Diagnostics Laboratory, Amsterdam University Medical Center
Classification: Benign. Review status: no assertion criteria provided. Collection method: clinical testing. Allele origin: germline. Affected: yes. Study: VKGL Data-share Consensus. Not counted in ClinVar's aggregate classification.

NM_005866.4(SIGMAR1):c.5A>C (p.Gln2Pro)

Genes: SIGMAR1 (sigma receptor chaperone 1; minus strand), LOC130001681 (ATAC-STARR-seq lymphoblastoid silent region 19853; plus strand). Cytogenetic location: 9p13.3.
Variant type: single nucleotide variant.
Coding change: c.5A>C on transcript NM_005866.4 (MANE Select); coding-DNA position 5, A replaced by C.
Protein change: p.Gln2Pro; replaces glutamine 2 with proline.
Molecular consequence: missense variant. On other transcripts: 5 prime UTR variant (1), non-coding transcript variant (1).
Genome position (GRCh38, 1-based): chr9:34,637,693, T>G on the plus strand (A>C on the coding strand, the complement: SIGMAR1 is on the minus strand). VCF-style: chr9-34637693-T-G. GRCh37 (hg19) VCF-style: chr9-34637690-T-G.
Other names: p.Gln2Pro; c.5A>C, p.Gln2Pro (NM_001282205.2, NM_001282207.2, NM_001282208.2 and 2 more transcripts); c.-249A>C (NM_001282206.2); short protein forms Q2P.
Identifiers: ClinVar variation 586584 (VCV000586584.22), dbSNP rs1800866, ClinGen allele CA5035965.